The following is an entry in ClinVar:

ClinVar aggregate classification (germline): Uncertain significance. Review status: criteria provided, single submitter (1 of 4 stars). 2 submissions from 2 submitters: Uncertain significance (1). 1 of the submissions does not count toward it. Last evaluated 2025-02-14.

Conditions:
Prostate cancer, hereditary, 1 (HPC1). Identifiers: Orphanet 1331, MedGen C4722327, MONDO:0011098, OMIM 601518.
Hereditary cancer-predisposing syndrome. Also called: Neoplastic Syndromes, Hereditary; Tumor predisposition; Hereditary neoplastic syndrome; Hereditary Cancer Syndrome. Identifiers: Orphanet 140162, MedGen C0027672, MeSH D009386, MONDO:0015356.

Submissions (2):

Ambry Genetics
Classification: Uncertain significance for Hereditary cancer-predisposing syndrome. Last evaluated: 2025-02-14. Review status: criteria provided, single submitter. Criteria: Ambry Variant Classification Scheme 2023. Collection method: clinical testing. Allele origin: germline.
Comment: The p.N189K variant (also known as c.567C>G), located in coding exon 1 of the HOXB13 gene, results from a C to G substitution at nucleotide position 567. The asparagine at codon 189 is replaced by lysine, an amino acid with similar properties. This amino acid position is conserved. In addition, this alteration is predicted to be tolerated by in silico analysis. Based on the available evidence, the clinical significance of this variant remains unclear.

Laboratory of Virology, Microbiology,  Quality and Medical Biotechnologies, Faculty of Sciences and Techniques - Mohammedia, Hassan II University of Casablanca
Classification: Uncertain significance for Prostate cancer, hereditary, 1. Review status: no assertion criteria provided. Collection method: clinical testing. Allele origin: somatic. Affected: yes. Not counted in ClinVar's aggregate classification.

NM_006361.6(HOXB13):c.567C>G (p.Asn189Lys)

Gene: HOXB13 (homeobox B13; minus strand). Cytogenetic location: 17q21.32.
Variant type: single nucleotide variant.
Coding change: c.567C>G on transcript NM_006361.6 (MANE Select); coding-DNA position 567, C replaced by G.
Protein change: p.Asn189Lys; replaces asparagine 189 with lysine.
Molecular consequence: missense variant.
Genome position (GRCh38, 1-based): chr17:48,728,027, G>C on the plus strand (C>G on the coding strand, the complement: HOXB13 is on the minus strand). VCF-style: chr17-48728027-G-C. GRCh37 (hg19) VCF-style: chr17-46805389-G-C.
Other names: short protein forms N189K.
Identifiers: ClinVar variation 690865 (VCV000690865.3), dbSNP rs143945091, ClinGen allele CA400107166.